The following is an entry in ClinVar:

ClinVar aggregate classification (germline): Uncertain significance. Review status: criteria provided, multiple submitters, no conflicts (2 of 4 stars). 2 submissions from 2 submitters: Uncertain significance (2). Last evaluated 2025-07-05.

Conditions:
Neurofibromatosis, type 2 (SWNV). Also called: BILATERAL ACOUSTIC NEUROFIBROMATOSIS; SCHWANNOMATOSIS, VESTIBULAR; NF2-Related Schwannomatosis. Identifiers: Orphanet 637, MedGen C0027832, MONDO:0007039, OMIM 101000. Disease mechanism: loss of function.

Submissions (2):

Color Diagnostics, LLC DBA Color Health
Classification: Uncertain significance for Neurofibromatosis, type 2. Last evaluated: 2025-07-05. Review status: criteria provided, single submitter. Criteria: ACMG Guidelines, 2015. Collection method: clinical testing. Allele origin: germline.
Comment: This missense variant replaces leucine with arginine at codon 458 of the NF2 protein. Computational prediction suggests that this variant may have deleterious impact on protein structure and function. To our knowledge, functional studies have not been reported for this variant. This variant has not been reported in individuals affected with NF2-related disorders in the literature. This variant has not been identified in the general population by the Genome Aggregation Database (gnomAD). The available evidence is insufficient to determine the role of this variant in disease conclusively. Therefore, this variant is classified as a Variant of Uncertain Significance.

Labcorp Genetics (formerly Invitae), Labcorp
Classification: Uncertain significance for Neurofibromatosis, type 2. Last evaluated: 2019-10-15. Review status: criteria provided, single submitter. Criteria: Invitae Variant Classification Sherloc (09022015). Collection method: clinical testing. Allele origin: germline.
Comment: This variant is not present in population databases (ExAC no frequency). This variant has not been reported in the literature in individuals with NF2-related conditions. Algorithms developed to predict the effect of missense changes on protein structure and function are either unavailable or do not agree on the potential impact of this missense change (SIFT: "Deleterious"; PolyPhen-2: "Probably Damaging"; Align-GVGD: "Class C15"). In summary, the available evidence is currently insufficient to determine the role of this variant in disease. Therefore, it has been classified as a Variant of Uncertain Significance. This sequence change replaces leucine with arginine at codon 458 of the NF2 protein (p.Leu458Arg). The leucine residue is highly conserved and there is a moderate physicochemical difference between leucine and arginine.

NM_000268.4(NF2):c.1373T>G (p.Leu458Arg)

Gene: NF2 (NF2, moesin-ezrin-radixin like (MERLIN) tumor suppressor; plus strand). Cytogenetic location: 22q12.2.
Variant type: single nucleotide variant.
Coding change: c.1373T>G on transcript NM_000268.4 (MANE Select); coding-DNA position 1373, T replaced by G.
Protein change: p.Leu458Arg; replaces leucine 458 with arginine.
Molecular consequence: missense variant. On other transcripts: non-coding transcript variant (1), intron variant (1).
Genome position (GRCh38, 1-based): chr22:29,674,868, T>G. VCF-style: chr22-29674868-T-G. GRCh37 (hg19) VCF-style: chr22-30070857-T-G.
Other names: c.1373T>G, p.Leu458Arg (NM_016418.5, NM_181825.3, NM_181832.3); c.1247T>G, p.Leu416Arg (NM_181828.3); c.1250T>G, p.Leu417Arg (NM_181829.3); c.1124T>G, p.Leu375Arg (NM_181830.3, NM_181831.3); c.448-19884T>G (NM_181833.3); short protein forms L375R, L417R, L416R, L458R.
Identifiers: ClinVar variation 967643 (VCV000967643.10), dbSNP rs1457638896, ClinGen allele CA411148930.